The following is an entry in ClinVar:

ClinVar aggregate classification (germline): Pathogenic (1 of 4 stars; one submission).

Conditions:
Osteogenesis imperfecta type I (OI1). Also called: Lobstein's Disease; Lobstein disease; Classic Non-deforming Osteogenesis Imperfecta with Blue Sclerae; OI, TYPE I; OSTEOGENESIS IMPERFECTA TARDA; OSTEOGENESIS IMPERFECTA WITH BLUE SCLERAE. Identifiers: Orphanet 216796, Orphanet 666, MedGen C0023931, MONDO:0008146, OMIM 166200. Disease mechanism: loss of function.

Submission:

Labcorp Genetics (formerly Invitae), Labcorp
Classification: Pathogenic for Osteogenesis imperfecta type I. Last evaluated: 2024-12-12. Review status: criteria provided, single submitter. Criteria: Invitae Variant Classification Sherloc (09022015). Collection method: clinical testing. Allele origin: germline.
Comment: This sequence change replaces glycine, which is neutral and non-polar, with aspartic acid, which is acidic and polar, at codon 200 of the COL1A1 protein (p.Gly200Asp). This variant is not present in population databases (gnomAD no frequency). This missense change has been observed in individual(s) with osteogenesis imperfecta (internal data). Invitae Evidence Modeling of protein sequence and biophysical properties (such as structural, functional, and spatial information, amino acid conservation, physicochemical variation, residue mobility, and thermodynamic stability) indicates that this missense variant is expected to disrupt COL1A1 protein function with a positive predictive value of 95%. This variant disrupts the triple helix domain of COL1A1. Glycine residues within the Gly-Xaa-Yaa repeats of the triple helix domain are required for the structure and stability of fibrillar collagens (PMID: 7695699, 8218237, 19344236). In COL1A1, variants affecting these glycine residues are significantly enriched in individuals with disease (PMID: 9016532, 17078022) compared to the general population (ExAC). This variant disrupts the p.Gly200 amino acid residue in COL1A1. Other variant(s) that disrupt this residue have been observed in individuals with COL1A1-related conditions (PMID: 18670065, 25436829, 33470886), which suggests that this may be a clinically significant amino acid residue. For these reasons, this variant has been classified as Pathogenic.

Literature cited by the submitters: PubMed 7695699; PubMed 8218237; PubMed 19344236; PubMed 9016532; PubMed 17078022; PubMed 18670065; PubMed 25436829; PubMed 33470886.

NM_000088.4(COL1A1):c.599G>A (p.Gly200Asp)

Gene: COL1A1 (collagen type I alpha 1 chain; minus strand). Cytogenetic location: 17q21.33.
Variant type: single nucleotide variant.
Coding change: c.599G>A on transcript NM_000088.4 (MANE Select); coding-DNA position 599, G replaced by A.
Protein change: p.Gly200Asp; replaces glycine 200 with aspartic acid.
Molecular consequence: missense variant.
Genome position (GRCh38, 1-based): chr17:50,197,992, C>T on the plus strand (G>A on the coding strand, the complement: COL1A1 is on the minus strand). VCF-style: chr17-50197992-C-T. GRCh37 (hg19) VCF-style: chr17-48275353-C-T.
Other names: short protein forms G200D.
Identifiers: ClinVar variation 3634732 (VCV003634732.2).